The following is an entry in ClinVar:

NM_000264.5(PTCH1):c.3078C>A (p.His1026Gln)

Gene: PTCH1 (patched 1; minus strand). Cytogenetic location: 9q22.32.
Variant type: single nucleotide variant.
Coding change: c.3078C>A on transcript NM_000264.5 (MANE Select); coding-DNA position 3078, C replaced by A.
Protein change: p.His1026Gln; replaces histidine 1026 with glutamine.
Molecular consequence: missense variant. On other transcripts: non-coding transcript variant (1).
Genome position (GRCh38, 1-based): chr9:95,458,103, G>T on the plus strand (C>A on the coding strand, the complement: PTCH1 is on the minus strand). VCF-style: chr9-95458103-G-T. GRCh37 (hg19) VCF-style: chr9-98220385-G-T.
Other names: c.2880C>A, p.His960Gln (NM_001083602.3); c.3075C>A, p.His1025Gln (NM_001083603.3); c.2625C>A, p.His875Gln (NM_001083604.3, NM_001083605.3, NM_001083606.3 and 1 more transcripts); c.2922C>A, p.His974Gln (NM_001354918.2); short protein forms H1025Q, H1026Q, H974Q, H960Q, H875Q.
Identifiers: ClinVar variation 1525506 (VCV001525506.8), dbSNP rs2136660617, ClinGen allele CA374112438.

ClinVar aggregate classification (germline): Uncertain significance (1 of 4 stars; one submission).

Conditions:
Gorlin syndrome. Also called: Basal cell nevus syndrome; Nevoid Basal Cell Carcinoma Syndrome. Identifiers: Orphanet 377, MedGen C0004779, MONDO:0007187.

Submission:

Labcorp Genetics (formerly Invitae), Labcorp
Classification: Uncertain significance for Gorlin syndrome. Last evaluated: 2021-04-11. Review status: criteria provided, single submitter. Criteria: Invitae Variant Classification Sherloc (09022015). Collection method: clinical testing. Allele origin: germline.
Comment: In summary, the available evidence is currently insufficient to determine the role of this variant in disease. Therefore, it has been classified as a Variant of Uncertain Significance. Advanced modeling of protein sequence and biophysical properties (such as structural, functional, and spatial information, amino acid conservation, physicochemical variation, residue mobility, and thermodynamic stability) performed at Invitae indicates that this missense variant is not expected to disrupt PTCH1 protein function. This variant has not been reported in the literature in individuals with PTCH1-related conditions. This variant is not present in population databases (ExAC no frequency). This sequence change replaces histidine with glutamine at codon 1026 of the PTCH1 protein (p.His1026Gln). The histidine residue is moderately conserved and there is a small physicochemical difference between histidine and glutamine.